The following is an entry in ClinVar:

ClinVar aggregate classification (germline): Likely pathogenic (1 of 4 stars; one submission).

Conditions:
Androgen resistance syndrome (AIS). Also called: ANDROGEN RECEPTOR DEFICIENCY; DIHYDROTESTOSTERONE RECEPTOR DEFICIENCY; TESTICULAR FEMINIZATION SYNDROME; Androgen insensitivity syndrome; Androgen insensitivity, complete; Androgen insensitivity syndrome due to coactivator deficiency. Identifiers: Orphanet 754, Orphanet 99429, MedGen C0039585, MONDO:0019154, OMIM 300068. Disease mechanism: loss of function.

Submission:

Genetics Department, Polish Mother's Memorial Hospital Research Institute
Classification: Likely pathogenic for Androgen resistance syndrome. Last evaluated: 2024-07-04. Review status: criteria provided, single submitter. Criteria: ACMG Guidelines, 2015. Collection method: research. Allele origin: germline. Affected: yes.
Comment: The detected NM_000044.6:c.2302G>T p.(Asp768Tyr) variant causes a missense change involving the alteration of a conserved nucleotide. The variant was absent in control chromosomes in populational databases. The in-silico tools predicted a pathogenic outcome for this variant. The variant has been reported in LOVD as pathogenic. Another variant affecting the same amino acid position but resulting in a different missense (i.e., Asp768Glu) has been classified as pathogenic in UniProt. The variant is localized in the hotspot region in the window of +/- 8 amino acids, where seven missense changes were described as pathogenic, four as uncertain, and none as benign or likely benign. The variant was classified as likely pathogenic with 9 ACMG points (criteria: PS4_supporting, PM1, PM2, PM5, PP3, PP4).

NM_000044.6(AR):c.2302G>T (p.Asp768Tyr)

Gene: AR (androgen receptor; plus strand). Cytogenetic location: Xq12.
Variant type: single nucleotide variant.
Coding change: c.2302G>T on transcript NM_000044.6 (MANE Select); coding-DNA position 2302, G replaced by T.
Protein change: p.Asp768Tyr; replaces aspartic acid 768 with tyrosine.
Molecular consequence: missense variant.
Genome position (GRCh38, 1-based): chrX:67,717,606, G>T. VCF-style: chrX-67717606-G-T. GRCh37 (hg19) VCF-style: chrX-66937448-G-T.
Other names: c.706G>T, p.Asp236Tyr (NM_001011645.3); short protein forms D236Y, D768Y.
Identifiers: ClinVar variation 3336687 (VCV003336687.1).